The following is an entry in ClinVar:

ClinVar aggregate classification (germline): Pathogenic (1 of 4 stars; one submission).

Submission:

Labcorp Genetics (formerly Invitae), Labcorp
Classification: Pathogenic. Last evaluated: 2023-02-08. Review status: criteria provided, single submitter. Criteria: Invitae Variant Classification Sherloc (09022015). Collection method: clinical testing. Allele origin: germline.
Comment: For these reasons, this variant has been classified as Pathogenic. This variant has not been reported in the literature in individuals affected with CAMTA1-related conditions. This variant is not present in population databases (gnomAD no frequency). This sequence change creates a premature translational stop signal (p.Thr860Hisfs*42) in the CAMTA1 gene. It is expected to result in an absent or disrupted protein product. Loss-of-function variants in CAMTA1 are known to be pathogenic (PMID: 22693284).

Literature cited by the submitters: PubMed 22693284.

NM_015215.4(CAMTA1):c.2577dup (p.Thr860fs)

Gene: CAMTA1 (calmodulin binding transcription activator 1; plus strand). Cytogenetic location: 1p36.23.
Variant type: Duplication.
Coding change: c.2577dup on transcript NM_015215.4 (MANE Select); coding-DNA position 2577, one base duplicated (C; older notation c.2577dupC).
Protein change: p.Thr860fs; shifts the reading frame from threonine 860.
Molecular consequence: frameshift variant.
Genome position (GRCh38, 1-based): chr1:7,665,124, C duplicated. VCF-style (leftmost placement, unchanged base first): chr1-7665123-G-GC. GRCh37 (hg19) VCF-style: chr1-7725183-G-GC.
Other names: c.2487dup, p.Thr830fs (NM_001349608.2, NM_001349612.2); c.2577dup, p.Thr860fs (NM_001349609.2, NM_001349610.2, NM_001410737.1); c.2505dup, p.Thr836fs (NM_001410738.1); short protein forms T836fs, T860fs, T830fs.
Identifiers: ClinVar variation 2831056 (VCV002831056.3), dbSNP rs2523756100, ClinGen allele CA2739272238.